The following is an entry in ClinVar:

NM_001127222.2(CACNA1A):c.6937CAG[6] (p.Gln2319_Gln2325del)

Genes: CACNA1A (calcium voltage-gated channel subunit alpha1 A; minus strand), LOC108663985 (calcium voltage-gated channel subunit alpha1 A repeat instability region; plus strand). Cytogenetic location: 19p13.13.
Variant type: Microsatellite.
Coding change: c.6937CAG[6] on transcript NM_001127222.2 (MANE Select); six copies in a row of the 3-base unit CAG starting at c.6937; the reference has 13 copies in a row; seven copies, 21 bases deleted.
Protein change: p.Gln2319_Gln2325del.
Molecular consequence: 3 prime UTR variant (on NM_000068.4).
Genome position (GRCh38, 1-based): chr19:13,207,859-13,207,879, CTGCTGCTGCTGCTGCTGCTG deleted on the plus strand (CAGCAGCAGCAGCAGCAGCAG on the coding strand, the reverse complement: CACNA1A is on the minus strand); deleting any 21 consecutive bases within chr19:13,207,859-13,207,898 gives the same sequence; the position shown is the placement nearest the transcript's 3' end. VCF-style (leftmost placement, unchanged base first): chr19-13207858-CCTGCTGCTGCTGCTGCTGCTG-C. GRCh37 (hg19) VCF-style: chr19-13318672-CCTGCTGCTGCTGCTGCTGCTG-C.
Other names: c.6955_6975del21 (NM_001127222.1); c.*167_*187del21 (NM_001127221.1); c.*149CAG[6] (NM_000068.4, NM_001127221.2, NM_001174080.2); c.6955CAG[6], p.Gln2325_Gln2331del (NM_023035.3).
Identifiers: ClinVar variation 4940986 (VCV004940986.3).

ClinVar aggregate classification (germline): Benign/Likely benign. Review status: criteria provided, multiple submitters, no conflicts (2 of 4 stars). 3 submissions from 3 submitters: Benign (1); Likely benign (2). Last evaluated 2026-09-08.

Conditions:
CACNA1A-related disorder. Also called: CACNA1A-related condition.
Inborn genetic diseases. Identifiers: MedGen C0950123, MeSH D030342.

Submissions (3):

Ambry Genetics
Classification: Benign for Inborn genetic diseases. Last evaluated: 2026-09-08. Review status: criteria provided, single submitter. Criteria: Ambry Variant Classification Scheme 2023. Collection method: clinical testing. Allele origin: germline.

PreventionGenetics, part of Exact Sciences
Classification: Likely benign for CACNA1A-related condition. Last evaluated: 2026-07-16. Review status: criteria provided, single submitter. Criteria: ACMG Guidelines, 2015. Collection method: clinical testing. Allele origin: germline.
Comment: This variant is classified as likely benign based on ACMG/AMP sequence variant interpretation guidelines (Richards et al. 2015 PMID: 25741868, with internal and published modifications).

Blueprint Genetics
Classification: Likely benign. Last evaluated: 2024-11-28. Review status: criteria provided, single submitter. Criteria: ACMG Guidelines, 2015. Collection method: clinical testing. Allele origin: germline.